The following is an entry in ClinVar:

ClinVar aggregate classification (germline): Uncertain significance (1 of 4 stars; one submission).

Conditions:
Familial cancer of breast. Also called: BREAST CANCER, FAMILIAL; Hereditary breast cancer; hereditary breast carcinoma. Identifiers: Orphanet 227535, MedGen C0346153, MONDO:0016419, OMIM 114480. Disease mechanism: loss of function.

Submission:

Labcorp Genetics (formerly Invitae), Labcorp
Classification: Uncertain significance for Familial cancer of breast. Last evaluated: 2022-09-01. Review status: criteria provided, single submitter. Criteria: Invitae Variant Classification Sherloc (09022015). Collection method: clinical testing. Allele origin: germline.
Comment: This sequence change replaces lysine, which is basic and polar, with asparagine, which is neutral and polar, at codon 7 of the PALB2 protein (p.Lys7Asn). This variant is not present in population databases (gnomAD no frequency). This variant has not been reported in the literature in individuals affected with PALB2-related conditions. ClinVar contains an entry for this variant (Variation ID: 460931). Algorithms developed to predict the effect of missense changes on protein structure and function are either unavailable or do not agree on the potential impact of this missense change (SIFT: "Tolerated"; PolyPhen-2: "Probably Damaging"; Align-GVGD: "Class C0"). In summary, the available evidence is currently insufficient to determine the role of this variant in disease. Therefore, it has been classified as a Variant of Uncertain Significance.

NM_024675.4(PALB2):c.21G>C (p.Lys7Asn)

Gene: PALB2 (partner and localizer of BRCA2; minus strand). Cytogenetic location: 16p12.2.
Variant type: single nucleotide variant.
Coding change: c.21G>C on transcript NM_024675.4 (MANE Select); coding-DNA position 21, G replaced by C.
Protein change: p.Lys7Asn; replaces lysine 7 with asparagine.
Molecular consequence: missense variant.
Genome position (GRCh38, 1-based): chr16:23,641,137, C>G on the plus strand (G>C on the coding strand, the complement: PALB2 is on the minus strand). VCF-style: chr16-23641137-C-G. GRCh37 (hg19) VCF-style: chr16-23652458-C-G.
Other names: short protein forms K7N.
Identifiers: ClinVar variation 460931 (VCV000460931.10), dbSNP rs1424944402, ClinGen allele CA395141159.